The following is an entry in ClinVar:

ClinVar aggregate classification (germline): Pathogenic (1 of 4 stars; one submission).

Submission:

Labcorp Genetics (formerly Invitae), Labcorp
Classification: Pathogenic. Last evaluated: 2022-06-02. Review status: criteria provided, single submitter. Criteria: Invitae Variant Classification Sherloc (09022015). Collection method: clinical testing. Allele origin: germline.
Comment: For these reasons, this variant has been classified as Pathogenic. A similar copy number variant has been observed in individual(s) with USH2A-related conditions (PMID: 28041643). This variant is a gross deletion of the genomic region encompassing exon(s) 52 of the USH2A gene. This deletion is out-of-frame, and is expected to create a premature termination codon and result in an absent or disrupted protein product. Loss-of-function variants in USH2A are known to be pathogenic (PMID: 10729113, 10909849, 20507924, 25649381).

Literature cited by the submitters: PubMed 28041643; PubMed 10729113; PubMed 10909849; PubMed 20507924; PubMed 25649381.

NC_000001.10:g.(?_215960002)_(215960226_?)del

Gene: USH2A (usherin; minus strand). Cytogenetic location: 1q41.
Variant type: Deletion.
Identifiers: ClinVar variation 1460204 (VCV001460204.7).